The following is an entry in ClinVar:

NM_000521.4(HEXB):c.639T>G (p.Tyr213Ter)

Gene: HEXB (hexosaminidase subunit beta; plus strand). Cytogenetic location: 5q13.3.
Variant type: single nucleotide variant.
Coding change: c.639T>G on transcript NM_000521.4 (MANE Select); coding-DNA position 639, T replaced by G.
Protein change: p.Tyr213Ter; replaces tyrosine 213 with a stop codon.
Molecular consequence: nonsense. On other transcripts: 5 prime UTR variant (1).
Genome position (GRCh38, 1-based): chr5:74,697,076, T>G. VCF-style: chr5-74697076-T-G. GRCh37 (hg19) VCF-style: chr5-73992901-T-G.
Other names: c.-37T>G (NM_001292004.2); short protein forms Y213*.
Identifiers: ClinVar variation 984043 (VCV000984043.3), dbSNP rs1749130074, ClinGen allele CA360064055.

ClinVar aggregate classification (germline): Likely pathogenic (1 of 4 stars; one submission).

Conditions:
Sandhoff disease. Also called: GM2-GANGLIOSIDOSIS, TYPE II; Beta-hexosaminidase-beta-subunit deficiency; GM2 gangliosidosis, type 2; Total hexosaminidase deficiency; Sandhoff-Jatzkewitz-Pilz disease; HEXOSAMINIDASES A AND B DEFICIENCY. Identifiers: Orphanet 796, MedGen C0036161, MONDO:0010006, OMIM 268800.

Allele frequency attached by ClinVar (database versions not stated): gnomAD exomes below 0.00001; TOPMed below 0.00001; gnomAD 0.00001.
gnomAD v4.1: 2 of 1,539,992 alleles (0.00013%); highest among the groups gnomAD compares: Non-Finnish European, 0.00018%; no homozygotes.

Submission:

Myriad Genetics, Inc.
Classification: Likely pathogenic for Sandhoff disease. Last evaluated: 2019-12-19. Review status: criteria provided, single submitter. Criteria: Myriad Women's Health Autosomal Recessive and X-Linked Classification Criteria (2019). Collection method: clinical testing. Allele origin: unknown.
Comment: NM_000521.3(HEXB):c.639T>G(Y213*) is expected to be pathogenic in the context of Sandhoff disease. This variant is predicted to lead to an abnormal or absent protein product due to the creation of a premature termination codon in HEXB, a gene where loss-of-function variants are known to be pathogenic. Please note: this variant was assessed in the context of healthy population screening.